The following is an entry in ClinVar:

NM_016277.5(RAB23):c.536A>C (p.Glu179Ala)

Gene: RAB23 (RAB23, member RAS oncogene family; minus strand). Cytogenetic location: 6p12.1.
Variant type: single nucleotide variant.
Coding change: c.536A>C on transcript NM_016277.5 (MANE Select); coding-DNA position 536, A replaced by C.
Protein change: p.Glu179Ala; replaces glutamic acid 179 with alanine.
Molecular consequence: missense variant. On other transcripts: non-coding transcript variant (1).
Genome position (GRCh38, 1-based): chr6:57,193,880, T>G on the plus strand (A>C on the coding strand, the complement: RAB23 is on the minus strand). VCF-style: chr6-57193880-T-G. GRCh37 (hg19) VCF-style: chr6-57058678-T-G.
Other names: c.536A>C, p.Glu179Ala (NM_001278666.2, NM_001278667.2, NM_001278668.2 and 1 more transcripts); c.536A>C (NM_183227.1); short protein forms E179A.
Identifiers: ClinVar variation 357642 (VCV000357642.27), dbSNP rs150440590, ClinGen allele CA3873782.

ClinVar aggregate classification (germline): Conflicting classifications of pathogenicity. Review status: criteria provided, conflicting classifications (1 of 4 stars). 6 submissions from 6 submitters: Uncertain significance (3); Likely benign (2). 1 of the submissions does not count toward it. Last evaluated 2026-01-26.

Conditions:
Inborn genetic diseases. Identifiers: MedGen C0950123, MeSH D030342.
Carpenter syndrome. Identifiers: Orphanet 65759, MedGen C1275078, MONDO:0019012.
RAB23-related disorder. Also called: RAB23-related condition.
RAB23-related Carpenter syndrome. Also called: ACPS II; Carpenter syndrome 1. Identifiers: Orphanet 65759, MedGen C4551510, MONDO:0008710, OMIM 201000.

Allele frequency attached by ClinVar (database versions not stated): 1000 Genomes Project 30x 0.00031; ExAC 0.00051; TOPMed 0.00054; gnomAD exomes 0.00094 and 0.00049; gnomAD 0.00055 and 0.00056; 1000 Genomes Project 0.00040; ESP Exome Variant Server 0.00077.
gnomAD v4.1: 1,448 of 1,613,052 alleles (0.09%); highest among the groups gnomAD compares: Non-Finnish European, 0.11%; 2 homozygotes.

Submissions (6):

Labcorp Genetics (formerly Invitae), Labcorp
Classification: Likely benign for Carpenter syndrome. Last evaluated: 2026-01-26. Review status: criteria provided, single submitter. Criteria: Invitae Variant Classification Sherloc (09022015). Collection method: clinical testing. Allele origin: germline.

PreventionGenetics, part of Exact Sciences
Classification: Likely benign for RAB23-related condition. Last evaluated: 2025-09-10. Review status: criteria provided, single submitter. Criteria: ACMG Guidelines, 2015. Collection method: clinical testing. Allele origin: germline.
Comment: This variant is classified as likely benign based on ACMG/AMP sequence variant interpretation guidelines (Richards et al. 2015 PMID: 25741868, with internal and published modifications).

GeneDx
Classification: Uncertain significance. Last evaluated: 2024-09-11. Review status: criteria provided, single submitter. Criteria: GeneDx Variant Classification Process June 2021. Collection method: clinical testing. Allele origin: germline. Affected: yes.
Comment: Reported in a patient with features of a primary immunodeficiency in published literature; this patient also was found to harbor variants in other genes related to the phenotype (PMID: 27872624); In silico analysis indicates that this missense variant does not alter protein structure/function; This variant is associated with the following publications: (PMID: 28213671, 27872624)

Ambry Genetics
Classification: Uncertain significance for Inborn genetic diseases. Last evaluated: 2022-08-17. Review status: criteria provided, single submitter. Criteria: Ambry Variant Classification Scheme 2023. Collection method: clinical testing. Allele origin: germline.

Illumina Laboratory Services, Illumina
Classification: Uncertain significance for RAB23-related Carpenter syndrome. Last evaluated: 2018-01-13. Review status: criteria provided, single submitter. Criteria: ICSL Variant Classification Criteria 13 December 2019. Collection method: clinical testing. Allele origin: germline.

Natera, Inc.
Classification: Likely benign for Carpenter syndrome 1. Last evaluated: 2020-10-07. Review status: no assertion criteria provided. Collection method: clinical testing. Allele origin: germline. Not counted in ClinVar's aggregate classification.

Literature cited by the submitters: PubMed 27872624 (cited by Ambry Genetics); PubMed 28213671 (cited by Ambry Genetics).